The following is an entry in ClinVar:

NM_001042492.3(NF1):c.4261C>G (p.Pro1421Ala)

Gene: NF1 (neurofibromin 1; plus strand). Cytogenetic location: 17q11.2.
Variant type: single nucleotide variant.
Coding change: c.4261C>G on transcript NM_001042492.3 (MANE Select); coding-DNA position 4261, C replaced by G.
Protein change: p.Pro1421Ala; replaces proline 1421 with alanine.
Molecular consequence: missense variant.
Genome position (GRCh38, 1-based): chr17:31,258,431, C>G. VCF-style: chr17-31258431-C-G. GRCh37 (hg19) VCF-style: chr17-29585449-C-G.
Other names: c.4198C>G, p.Pro1400Ala (NM_000267.4); short protein forms P1400A, P1421A.
Identifiers: ClinVar variation 1469638 (VCV001469638.8), dbSNP rs1347152182, ClinGen allele CA398997930.

ClinVar aggregate classification (germline): Uncertain significance (1 of 4 stars; one submission).

Conditions:
Neurofibromatosis, type 1 (NF1). Also called: NEUROFIBROMATOSIS, TYPE I, SOMATIC; VON RECKLINGHAUSEN DISEASE; Peripheral type neurofibromatosis; Neurofibromatosis, type I. Identifiers: Orphanet 636, MedGen C0027831, MONDO:0018975, OMIM 162200. Disease mechanism: loss of function.

Submission:

Labcorp Genetics (formerly Invitae), Labcorp
Classification: Uncertain significance for Neurofibromatosis, type 1. Last evaluated: 2022-06-13. Review status: criteria provided, single submitter. Criteria: Invitae Variant Classification Sherloc (09022015). Collection method: clinical testing. Allele origin: germline.
Comment: In summary, the available evidence is currently insufficient to determine the role of this variant in disease. Therefore, it has been classified as a Variant of Uncertain Significance. Algorithms developed to predict the effect of sequence changes on RNA splicing suggest that this variant may create or strengthen a splice site. Advanced modeling of protein sequence and biophysical properties (such as structural, functional, and spatial information, amino acid conservation, physicochemical variation, residue mobility, and thermodynamic stability) performed at Invitae indicates that this missense variant is expected to disrupt NF1 protein function. This variant has not been reported in the literature in individuals affected with NF1-related conditions. This variant is not present in population databases (gnomAD no frequency). This sequence change replaces proline, which is neutral and non-polar, with alanine, which is neutral and non-polar, at codon 1400 of the NF1 protein (p.Pro1400Ala).